The following is an entry in ClinVar:

NM_014482.3(BMP10):c.625C>T (p.Arg209Cys)

Gene: BMP10 (bone morphogenetic protein 10; minus strand). Cytogenetic location: 2p13.3.
Variant type: single nucleotide variant.
Coding change: c.625C>T on transcript NM_014482.3 (MANE Select); coding-DNA position 625, C replaced by T.
Protein change: p.Arg209Cys; replaces arginine 209 with cysteine.
Molecular consequence: missense variant.
Genome position (GRCh38, 1-based): chr2:68,866,281, G>A on the plus strand (C>T on the coding strand, the complement: BMP10 is on the minus strand). VCF-style: chr2-68866281-G-A. GRCh37 (hg19) VCF-style: chr2-69093413-G-A.
Other names: short protein forms R209C.
Identifiers: ClinVar variation 3387875 (VCV003387875.14).

ClinVar aggregate classification (germline): Likely benign (1 of 4 stars; one submission).

Submission:

CeGaT Center for Human Genetics Tuebingen
Classification: Likely benign. Last evaluated: 2024-09-01. Review status: criteria provided, single submitter. Criteria: CeGaT Center For Human Genetics Tuebingen Variant Classification Criteria Version 2. Collection method: clinical testing. Allele origin: germline. Affected: yes. Observed: 1 variant allele.
Comment: BMP10: BP4, BS2